The following is an entry in ClinVar:

NC_000015.9:g.(?_80403807)_(81274523_?)dup

Genes: ABHD17C (abhydrolase domain containing 17C, depalmitoylase; plus strand), ARNT2 (aryl hydrocarbon receptor nuclear translocator 2; plus strand), CEMIP (cell migration inducing hyaluronidase 1; plus strand), FAH (fumarylacetoacetate hydrolase; plus strand), MESD (mesoderm development LRP chaperone; minus strand) and 1 more. Cytogenetic location: 15q25.1.
Variant type: Duplication.
Identifiers: ClinVar variation 831029 (VCV000831029.5).

ClinVar aggregate classification (germline): Uncertain significance (1 of 4 stars; one submission).

Conditions:
Tyrosinemia type I (TYRSN1). Also called: HEPATORENAL TYROSINEMIA; Tyrosinemia type 1; Fumarylacetoacetase deficiency; Deficiency of fumarylacetoacetase; FAH DEFICIENCY. Identifiers: Orphanet 882, MedGen C0268490, MONDO:0010161, OMIM 276700. Disease mechanism: loss of function.

Submission:

Labcorp Genetics (formerly Invitae), Labcorp
Classification: Uncertain significance for Tyrosinemia type I. Last evaluated: 2022-02-05. Review status: criteria provided, single submitter. Criteria: Invitae Variant Classification Sherloc (09022015). Collection method: clinical testing. Allele origin: germline.
Comment: A copy number gain of the genomic region encompassing the full coding sequence of the FAH gene has been identified. The boundaries of this event are unknown as they extend beyond the assayed region for this gene and therefore may encompass additional genes. As the precise location of this event is unknown, it may be in tandem or it may be located elsewhere in the genome. This variant has not been reported in the literature in individuals affected with FAH-related conditions. In summary, the available evidence is currently insufficient to determine the role of this variant in disease. Therefore, it has been classified as a Variant of Uncertain Significance.